The following is an entry in ClinVar:

ClinVar aggregate classification (germline): Uncertain significance (1 of 4 stars; one submission).

Submission:

Dasa
Classification: Uncertain significance. Last evaluated: 2026-04-06. Review status: criteria provided, single submitter. Criteria: DASA Assertion Criteria. Collection method: clinical testing. Allele origin: germline.
Comment: NM_001429.4(EP300):c.2293C>T (p.Leu765Phe) is a missense variant that results in the substitution of leucine with phenylalanine. This variant is rare in population databases. The currently available literature and clinical evidence are not sufficient to establish a definitive association between this variant and the reported condition. Therefore, this variant is classified as a variant of uncertain significance.

NM_001429.4(EP300):c.2293C>T (p.Leu765Phe)

Gene: EP300 (EP300 lysine acetyltransferase; plus strand). Cytogenetic location: 22q13.2.
Variant type: single nucleotide variant.
Coding change: c.2293C>T on transcript NM_001429.4 (MANE Select); coding-DNA position 2293, C replaced by T.
Protein change: p.Leu765Phe; replaces leucine 765 with phenylalanine.
Molecular consequence: missense variant.
Genome position (GRCh38, 1-based): chr22:41,149,089, C>T. VCF-style: chr22-41149089-C-T. GRCh37 (hg19) VCF-style: chr22-41545093-C-T.
Other names: c.2215C>T, p.Leu739Phe (NM_001362843.2); short protein forms L739F, L765F.
Identifiers: ClinVar variation 4883790 (VCV004883790.2).